The following is an entry in ClinVar:

ClinVar aggregate classification (germline): Conflicting classifications of pathogenicity. Review status: criteria provided, conflicting classifications (1 of 4 stars). 6 submissions from 6 submitters: Pathogenic (4); Uncertain significance (1). 1 of the submissions does not count toward it. Last evaluated 2025-12-23.

Conditions:
Charcot-Marie-Tooth disease. Also called: Charcot-Marie-Tooth Neuropathy; Charcot-Marie-Tooth Hereditary Neuropathy. Identifiers: Orphanet 166, MedGen C0007959, MONDO:0015626.
Charcot-Marie-Tooth disease type 1B. Also called: PERONEAL MUSCULAR ATROPHY; HEREDITARY MOTOR AND SENSORY NEUROPATHY I; HEREDITARY MOTOR AND SENSORY NEUROPATHY IB; CHARCOT-MARIE-TOOTH DISEASE, AUTOSOMAL DOMINANT, WITH FOCALLY FOLDED MYELIN SHEATHS, TYPE 1B; CHARCOT-MARIE-TOOTH DISEASE, SLOW NERVE CONDUCTION TYPE, LINKED TO DUFFY; CHARCOT-MARIE-TOOTH NEUROPATHY, TYPE 1B. Identifiers: Orphanet 101082, MedGen C0270912, MONDO:0007307, OMIM 118200.
Charcot-Marie-Tooth disease, type I (CMT1). Also called: Charcot-Marie-Tooth disease type 1; Charcot-Marie-Tooth, Type 1. Identifiers: Orphanet 65753, MedGen C0751036, MONDO:0019011.
Charcot-Marie-Tooth disease type 2I (CMT2I). Also called: CHARCOT-MARIE-TOOTH DISEASE, AXONAL, TYPE 2I. Identifiers: Orphanet 99942, MedGen C3888087, MONDO:0011889, OMIM 607677.

Allele frequency attached by ClinVar (database versions not stated): gnomAD exomes below 0.00001; TOPMed below 0.00001; gnomAD 0.00001.
gnomAD v4.1: 4 of 1,614,108 alleles (0.00025%); highest among the groups gnomAD compares: East Asian, 0.0022%; no homozygotes.

Submissions (6):

Labcorp Genetics (formerly Invitae), Labcorp
Classification: Pathogenic for Charcot-Marie-Tooth disease, type I. Last evaluated: 2025-12-23. Review status: criteria provided, single submitter. Criteria: Invitae Variant Classification Sherloc (09022015). Collection method: clinical testing. Allele origin: germline.
Comment: This sequence change replaces aspartic acid, which is acidic and polar, with asparagine, which is neutral and polar, at codon 35 of the MPZ protein (p.Asp35Asn). This variant is present in population databases (no rsID available, gnomAD 0.005%). This missense change has been observed in individuals with Charcot-Marie-Tooth disease (CMT) (PMID: 20385006, 24053775, 24444136). It has also been observed to segregate with disease in related individuals. ClinVar contains an entry for this variant (Variation ID: 462790). Invitae Evidence Modeling of protein sequence and biophysical properties (such as structural, functional, and spatial information, amino acid conservation, physicochemical variation, residue mobility, and thermodynamic stability) indicates that this missense variant is not expected to disrupt MPZ protein function with a negative predictive value of 80%. For these reasons, this variant has been classified as Pathogenic.

Athena Diagnostics
Classification: Uncertain significance. Last evaluated: 2025-11-05. Review status: criteria provided, single submitter. Criteria: Athena Diagnostics Criteria. Collection method: clinical testing. Allele origin: unknown.
Comment: Available data are insufficient to determine the clinical significance of the variant at this time. The frequency of this variant in the general population is uninformative in assessment of its pathogenicity. This variant has been identified in at least one individual with clinical features associated with this gene. Polyphen and MutationTaster yielded discordant predictions regarding whether this amino acid change is damaging to the protein. The variant is located in a region that is considered important for protein function and/or structure. At least one other missense variant at this codon is considered to be pathogenic or likely pathogenic, suggesting this variant may also cause disease.

3billion
Classification: Pathogenic for Charcot-Marie-Tooth disease type 1B. Last evaluated: 2024-04-30. Review status: criteria provided, single submitter. Criteria: ACMG Guidelines, 2015. Collection method: clinical testing. Allele origin: germline. Affected: yes.
Comment: The variant is observed at an extremely low frequency in the gnomAD v2.1.1 dataset (total allele frequency: <0.001%). Predicted Consequence/Location: Missense variant Same nucleotide change resulting in same amino acid change (ClinVar ID: VCV000462790 /PMID: 20385006 /3billion dataset) and a different missense change at the same codon (p.Asp35Tyr / ClinVar ID: VCV000014183 /PMID: 10406984) have been previously reported as pathogenic/likely pathogenic with strong evidence.The variant has been observed in at least two similarly affected unrelated individuals (PMID: 20385006, 24444136). Therefore, this variant is classified as Pathogenic according to the recommendation of ACMG/AMP guideline.

CeGaT Center for Human Genetics Tuebingen
Classification: Pathogenic. Last evaluated: 2020-01-01. Review status: criteria provided, single submitter. Criteria: CeGaT Center For Human Genetics Tuebingen Variant Classification Criteria Version 2. Collection method: clinical testing. Allele origin: germline. Affected: yes. Observed: 1 variant allele.

Institute of Human Genetics Munich, TUM University Hospital
Classification: Pathogenic for Charcot-Marie-Tooth disease type 2I. Last evaluated: 2019-10-09. Review status: criteria provided, single submitter. Criteria: Classification criteria August 2017. Collection method: clinical testing. Allele origin: germline. Inheritance: Autosomal dominant inheritance. Affected: yes. Observed: 1 heterozygote.

Inherited Neuropathy Consortium
Classification: Uncertain significance for Charcot-Marie-Tooth disease. Review status: no assertion criteria provided. Collection method: literature only. Allele origin: germline. Affected: yes. Not counted in ClinVar's aggregate classification.

Literature cited by the submitters: PubMed 20385006 (cited by 4 submitters); PubMed 24053775 (cited by Labcorp Genetics (formerly Invitae), Labcorp and Athena Diagnostics); PubMed 24444136 (cited by 3 submitters); PubMed 40009145 (cited by Athena Diagnostics); PubMed 39140136 (cited by Athena Diagnostics); PubMed 31278453 (cited by Athena Diagnostics); PubMed 10406984 (cited by 3billion).

NM_000530.8(MPZ):c.103G>A (p.Asp35Asn)

Gene: MPZ (myelin protein zero; minus strand). Cytogenetic location: 1q23.3.
Variant type: single nucleotide variant.
Coding change: c.103G>A on transcript NM_000530.8 (MANE Select); coding-DNA position 103, G replaced by A.
Protein change: p.Asp35Asn; replaces aspartic acid 35 with asparagine.
Molecular consequence: missense variant.
Genome position (GRCh38, 1-based): chr1:161,307,389, C>T on the plus strand (G>A on the coding strand, the complement: MPZ is on the minus strand). VCF-style: chr1-161307389-C-T. GRCh37 (hg19) VCF-style: chr1-161277179-C-T.
Other names: c.103G>A, p.Asp35Asn (NM_001315491.2); c.103G>A (LRG_256t1); short protein forms D35N.
Identifiers: ClinVar variation 462790 (VCV000462790.53), dbSNP rs121913596, ClinGen allele CA343351540.